The following is an entry in ClinVar:

ClinVar aggregate classification (germline): Likely pathogenic (1 of 4 stars; one submission).

Conditions:
Cholestasis, progressive familial intrahepatic, 13. Also called: MADDIREVULA-SHAGRANI-JI SYNDROME. Identifiers: MedGen C5975422, MONDO:0975807, OMIM 620962.

gnomAD v4.1: 1 of 1,613,954 alleles (0.000062%); no homozygotes.

Submission:

Clinical Genetics Laboratory, Makassed Hospital
Classification: Likely pathogenic for Cholestasis, progressive familial intrahepatic, 13. Review status: criteria provided, single submitter. Criteria: ACMG Guidelines, 2015. Collection method: clinical testing. Allele origin: biparental. Inheritance: Autosomal recessive inheritance. Affected: yes. Observed: 3 variant alleles, 3 homozygotes.
Comment: To the best of our knowledge, this variant has not been previously reported in the medical literature. It is extremely rare in population databases, with a minor allele frequency of 6.20e-7 in gnomAD v4.1. Analysis of the UCSC Genome Browser 100-vertebrate conservation track, based on multiz multiple-species alignments and PHAST conservation scores, showed that Ala195 is completely conserved across 100 vertebrate species, supporting the structural and functional importance of this residue. In silico prediction tools consistently support a deleterious effect on protein function, including: AlphaMissense - pathogenic (0.88); MetaRNN - pathogenic (0.97 D); CADD pathogenic (30); REVEL pathogenic (0.696); SIFT (deleterious), PolyPhen-2 (probably damaging). Segregated in a family with three affected children. Based on the American College of Medical Genetics and Genomics (ACMG) standards and guidelines, this variant was classified as likely pathogenic.

NM_006742.3(PSKH1):c.583G>A (p.Ala195Thr)

Gene: PSKH1 (protein serine kinase H1; plus strand). Cytogenetic location: 16q22.1.
Variant type: single nucleotide variant.
Coding change: c.583G>A on transcript NM_006742.3 (MANE Select); coding-DNA position 583, G replaced by A.
Protein change: p.Ala195Thr; replaces alanine 195 with threonine.
Molecular consequence: missense variant.
Genome position (GRCh38, 1-based): chr16:67,909,332, G>A. VCF-style: chr16-67909332-G-A. GRCh37 (hg19) VCF-style: chr16-67943235-G-A.
Other names: short protein forms A195T.
Identifiers: ClinVar variation 4850872 (VCV004850872.1).